The following is an entry in ClinVar:

ClinVar aggregate classification (germline): Uncertain significance (1 of 4 stars; one submission).

Conditions:
Emery-Dreifuss muscular dystrophy 5, autosomal dominant (EDMD5). Also called: EMERY-DREIFUSS MUSCULAR DYSTROPHY 5. Identifiers: Orphanet 261, MedGen C2751805, MONDO:0013072, OMIM 612999.

Submission:

Labcorp Genetics (formerly Invitae), Labcorp
Classification: Uncertain significance for Emery-Dreifuss muscular dystrophy 5, autosomal dominant. Last evaluated: 2024-07-17. Review status: criteria provided, single submitter. Criteria: Invitae Variant Classification Sherloc (09022015). Collection method: clinical testing. Allele origin: germline.
Comment: This variant, c.5606_5608del, results in the deletion of 1 amino acid(s) of the SYNE2 protein (p.Lys1869del), but otherwise preserves the integrity of the reading frame. This variant is not present in population databases (gnomAD no frequency). This variant has not been reported in the literature in individuals affected with SYNE2-related conditions. Experimental studies and prediction algorithms are not available or were not evaluated, and the functional significance of this variant is currently unknown. In summary, the available evidence is currently insufficient to determine the role of this variant in disease. Therefore, it has been classified as a Variant of Uncertain Significance.

NM_182914.3(SYNE2):c.5606_5608del (p.Lys1869del)

Gene: SYNE2 (spectrin repeat containing nuclear envelope protein 2; plus strand). Cytogenetic location: 14q23.2.
Variant type: Deletion.
Coding change: c.5606_5608del on transcript NM_182914.3 (MANE Select); coding-DNA positions 5606 to 5608, 3 bases deleted (AGA; older notation c.5606_5608delAGA).
Protein change: p.Lys1869del; deletes lysine 1869.
Genome position (GRCh38, 1-based): chr14:64,022,832-64,022,834, AGA deleted; deleting any 3 consecutive bases within chr14:64,022,831-64,022,834 gives the same sequence; the c. name uses the placement nearest the transcript's 3' end. VCF-style (leftmost placement, unchanged base first): chr14-64022830-AAAG-A. GRCh37 (hg19) VCF-style: chr14-64489548-AAAG-A.
Other names: c.5606_5608del, p.Lys1869del (NM_015180.6); short protein forms K1869del.
Identifiers: ClinVar variation 3702398 (VCV003702398.2).